The following is an entry in ClinVar:

ClinVar aggregate classification (germline): Pathogenic/Likely pathogenic. Review status: criteria provided, multiple submitters, no conflicts (2 of 4 stars). 2 submissions from 2 submitters: Pathogenic (1); Likely pathogenic (1). Last evaluated 2026-01-20.

Conditions:
Renal cysts and diabetes syndrome (RCAD). Also called: MATURITY-ONSET DIABETES OF THE YOUNG, TYPE 5; Familial hypoplastic, glomerulocystic kidney. Identifiers: Orphanet 93111, MedGen C0431693, MONDO:0007669, OMIM 137920.
HNF1B-related disorder. Also called: HNF1B-related condition; HNF1B-related disorders.

Submissions (2):

CGC Genetics, Unilabs
Classification: Likely pathogenic for Renal cysts and diabetes syndrome. Last evaluated: 2026-01-20. Review status: criteria provided, single submitter. Criteria: ACMG Guidelines, 2015. Collection method: clinical testing. Allele origin: germline. Inheritance: Autosomal dominant inheritance. Affected: yes. Observed: 1 variant allele.
Comment: The NM_000458.4:c.516C>A p.(Tyr172*) variant, detected in heterozygosity in the HNF1B gene (chr.17), is not described in the literature nor in the ClinVar database. It is also not reported in the gnomAD population database. This is a nonsense variant, located in exon 2 (of 9 exons), which creates a premature stop codon and, therefore, is predicted to produce a truncated protein and/or loss of expression due to mRNA degradation. Based on the available information, this variant should be considered likely pathogenic.

Blueprint Genetics
Classification: Pathogenic for HNF1B-related disorders. Last evaluated: 2023-08-28. Review status: criteria provided, single submitter. Criteria: ACMG Guidelines, 2015. Collection method: clinical testing. Allele origin: germline. Affected: yes. Observed: 1 variant allele.

NM_000458.4(HNF1B):c.516C>A (p.Tyr172Ter)

Gene: HNF1B (HNF1 homeobox B; minus strand). Cytogenetic location: 17q12.
Variant type: single nucleotide variant.
Coding change: c.516C>A on transcript NM_000458.4 (MANE Select); coding-DNA position 516, C replaced by A.
Protein change: p.Tyr172Ter; replaces tyrosine 172 with a stop codon.
Molecular consequence: nonsense.
Genome position (GRCh38, 1-based): chr17:37,739,468, G>T on the plus strand (C>A on the coding strand, the complement: HNF1B is on the minus strand). VCF-style: chr17-37739468-G-T. GRCh37 (hg19) VCF-style: chr17-36099459-G-T.
Other names: c.516C>A, p.Tyr172Ter (NM_001165923.4, NM_001304286.2, NM_001411100.1); short protein forms Y172*.
Identifiers: ClinVar variation 4851601 (VCV004851601.2).
Genomic context (GRCh38, chr17:37,739,468, plus strand): 5'-GGTTGAGGCAGAGGCAGGATGAAAACACTTACGTCGGAGGATCTCTCGTTGCTTTCTGAC[G>T]TACCAGGTGTACAGAGCGGCACGCTTCTGGGTCTTCATAGGGGTGCCCTTGTTGAGATGC-3'